The following is an entry in ClinVar:

NM_001324144.2(ZNF41):c.801G>A (p.Glu267=)

Gene: ZNF41 (zinc finger protein 41; minus strand). Cytogenetic location: Xp11.3.
Variant type: single nucleotide variant.
Coding change: c.801G>A on transcript NM_001324144.2 (MANE Select); coding-DNA position 801, G replaced by A.
Protein change: p.Glu267=; no amino-acid change (glutamic acid 267 retained).
Molecular consequence: synonymous variant.
Genome position (GRCh38, 1-based): chrX:47,448,969, C>T on the plus strand (G>A on the coding strand, the complement: ZNF41 is on the minus strand). VCF-style: chrX-47448969-C-T. GRCh37 (hg19) VCF-style: chrX-47308368-C-T.
Other names: c.543G>A, p.Glu181= (NM_001324139.2, NM_001324141.2, NM_001324143.2 and 3 more transcripts); c.801G>A, p.Glu267= (NM_001324140.2, NM_001324147.2, NM_001324150.2 and 2 more transcripts); c.807G>A, p.Glu269= (NM_001324142.2, NM_001324148.2); c.831G>A, p.Glu277= (NM_001324151.2, NM_001324153.2); c.903G>A, p.Glu301= (NM_001324154.1); c.927G>A, p.Glu309= (NM_001324155.1); c.699G>A, p.Glu233= (NM_001324156.1); c.693G>A, p.Glu231= (NM_001324157.1).
Identifiers: ClinVar variation 3047310 (VCV003047310.3), dbSNP rs370856827, ClinGen allele CA10397757.
Genomic context (GRCh38, chrX:47,448,969, plus strand): 5'-AAACAGATGTGACTTCTGAGTGAAGCCCATTACACATTCAGTACACACATAAAGCTTCTC[C>T]TCAGGATGAATTTTCTGATGGTGGGTGGGAGCTTGTTTGTGGCTGAGATGTTTTTCATAG-3'
Protein context (NP_001311073.1, residues 257-277): APTHHQKIHP[Glu267=]EKLYVCTECV

ClinVar aggregate classification (germline): Likely benign. Review status: criteria provided, single submitter (1 of 4 stars). 2 submissions from 2 submitters: Likely benign (1). 1 of the submissions does not count toward it. Last evaluated 2024-10-15.

Conditions:
ZNF41-related disorder. Also called: ZNF41-related condition.

Allele frequency attached by ClinVar (database versions not stated): gnomAD exomes 0.00005; ExAC 0.00006; TOPMed 0.00006; gnomAD 0.00007; ESP Exome Variant Server 0.00009.
gnomAD v4.1: 60 of 1,209,709 alleles (0.005%); highest among the groups gnomAD compares: Middle Eastern, 0.046%; no homozygotes.

Submissions (2):

Blueprint Genetics
Classification: Likely benign. Last evaluated: 2024-10-15. Review status: criteria provided, single submitter. Criteria: ACMG Guidelines, 2015. Collection method: clinical testing. Allele origin: germline.

PreventionGenetics, part of Exact Sciences
Classification: Likely benign for ZNF41-related condition. Last evaluated: 2023-05-17. Review status: no assertion criteria provided. Collection method: clinical testing. Allele origin: germline. Not counted in ClinVar's aggregate classification.
Comment: This variant is classified as likely benign based on ACMG/AMP sequence variant interpretation guidelines (Richards et al. 2015 PMID: 25741868, with internal and published modifications).